The following is an entry in ClinVar:

NM_207361.6(FREM2):c.9316A>G (p.Ser3106Gly)

Gene: FREM2 (FRAS1 related extracellular matrix 2; plus strand). Cytogenetic location: 13q13.3.
Variant type: single nucleotide variant.
Coding change: c.9316A>G on transcript NM_207361.6 (MANE Select); coding-DNA position 9316, A replaced by G.
Protein change: p.Ser3106Gly; replaces serine 3106 with glycine.
Molecular consequence: missense variant.
Genome position (GRCh38, 1-based): chr13:38,880,593, A>G. VCF-style: chr13-38880593-A-G. GRCh37 (hg19) VCF-style: chr13-39454730-A-G.
Other names: short protein forms S3106G.
Identifiers: ClinVar variation 1959777 (VCV001959777.2), dbSNP rs1297131612, ClinGen allele CA387911262.

ClinVar aggregate classification (germline): Uncertain significance (1 of 4 stars; one submission).

Allele frequency attached by ClinVar (database versions not stated): gnomAD 0.00001; gnomAD exomes 0.00001; TOPMed 0.00002.
gnomAD v4.1: 14 of 1,613,850 alleles (0.00087%); highest among the groups gnomAD compares: Non-Finnish European, 0.0011%; no homozygotes.

Submission:

Labcorp Genetics (formerly Invitae), Labcorp
Classification: Uncertain significance. Last evaluated: 2022-03-13. Review status: criteria provided, single submitter. Criteria: Invitae Variant Classification Sherloc (09022015). Collection method: clinical testing. Allele origin: germline.
Comment: This sequence change replaces serine, which is neutral and polar, with glycine, which is neutral and non-polar, at codon 3106 of the FREM2 protein (p.Ser3106Gly). This variant is present in population databases (no rsID available, gnomAD 0.002%). This variant has not been reported in the literature in individuals affected with FREM2-related conditions. Algorithms developed to predict the effect of missense changes on protein structure and function output the following: SIFT: "Deleterious"; PolyPhen-2: "Benign"; Align-GVGD: "Class C0". The glycine amino acid residue is found in multiple mammalian species, which suggests that this missense change does not adversely affect protein function. In summary, the available evidence is currently insufficient to determine the role of this variant in disease. Therefore, it has been classified as a Variant of Uncertain Significance.